The following is an entry in ClinVar:

NC_000016.9:g.(?_46723570)_(46732307_?)dup

Gene: ORC6 (origin recognition complex subunit 6; plus strand). Cytogenetic location: 16q11.2.
Variant type: Duplication.
Identifiers: ClinVar variation 3063947 (VCV003063947.1).

ClinVar aggregate classification (germline): Uncertain significance (1 of 4 stars; one submission).

Submission:

Women's Health and Genetics/Laboratory Corporation of America, LabCorp
Classification: Uncertain significance. Last evaluated: 2024-01-02. Review status: criteria provided, single submitter. Criteria: LabCorp Variant Classification Summary - May 2015. Collection method: clinical testing. Allele origin: germline.
Comment: Variant summary: The variant involves the duplication of exons 1-7 of the ORC6 gene. A presumed nomenclature of c.(?_-48)_(*810_?)dup has been designated for the purposes of this classification. This duplication includes the entire coding sequence of the gene. As exact breakpoints are unknown, it may extend beyond the annotated region of the gene, to include other flanking genes. A large duplication variant which encompasses the whole ORC6 gene (size: 151,575 bp) was found at a frequency of 0.00014 in 441902 control chromosomes (i.e. 62 alleles) in the gnomAD database (CNVs v4.0 dataset). In addition, several other large duplications were also reported which cover the ORC6 gene. The relatively high number of carriers with these copy number gains suggests that duplications of the ORC6 gene are likely not associated with a dominant, early onset, penetrant disease phenotype. To our knowledge, no occurrence of c.(?_-48)_(*810_?)dup in individuals affected with Meier-Gorlin Syndrome 3 and no experimental evidence demonstrating its impact on protein function have been reported. One submitter has cited clinical-significance assessments for this variant to ClinVar after 2014 and has classified the variant as uncertain significance. Based on the evidence outlined above, the variant was classified as VUS-possibly benign.